The following is an entry in ClinVar:

NM_032043.3(BRIP1):c.3569G>T (p.Cys1190Phe)

Gene: BRIP1 (BRCA1 interacting DNA helicase 1; minus strand). Cytogenetic location: 17q23.2.
Variant type: single nucleotide variant.
Coding change: c.3569G>T on transcript NM_032043.3 (MANE Select); coding-DNA position 3569, G replaced by T.
Protein change: p.Cys1190Phe; replaces cysteine 1190 with phenylalanine.
Molecular consequence: missense variant.
Genome position (GRCh38, 1-based): chr17:61,683,477, C>A on the plus strand (G>T on the coding strand, the complement: BRIP1 is on the minus strand). VCF-style: chr17-61683477-C-A. GRCh37 (hg19) VCF-style: chr17-59760838-C-A.
Other names: short protein forms C1190F.
Identifiers: ClinVar variation 2449944 (VCV002449944.2), dbSNP rs2061301683, ClinGen allele CA400478220.

ClinVar aggregate classification (germline): Uncertain significance (1 of 4 stars; one submission).

Conditions:
Hereditary cancer-predisposing syndrome. Also called: Neoplastic Syndromes, Hereditary; Tumor predisposition; Hereditary neoplastic syndrome; Hereditary Cancer Syndrome. Identifiers: Orphanet 140162, MedGen C0027672, MeSH D009386, MONDO:0015356.

Submission:

Ambry Genetics
Classification: Uncertain significance for Hereditary cancer-predisposing syndrome. Last evaluated: 2023-03-12. Review status: criteria provided, single submitter. Criteria: Ambry Variant Classification Scheme 2023. Collection method: clinical testing. Allele origin: germline.
Comment: The p.C1190F variant (also known as c.3569G>T), located in coding exon 19 of the BRIP1 gene, results from a G to T substitution at nucleotide position 3569. The cysteine at codon 1190 is replaced by phenylalanine, an amino acid with highly dissimilar properties. This amino acid position is conserved. In addition, this alteration is predicted to be tolerated by in silico analysis. Since supporting evidence is limited at this time, the clinical significance of this alteration remains unclear.